The following is an entry in ClinVar:

NM_006924.5(SRSF1):c.5C>T (p.Ser2Leu)

Gene: SRSF1 (serine and arginine rich splicing factor 1; minus strand). Cytogenetic location: 17q22.
Variant type: single nucleotide variant.
Coding change: c.5C>T on transcript NM_006924.5 (MANE Select); coding-DNA position 5, C replaced by T.
Protein change: p.Ser2Leu; replaces serine 2 with leucine.
Molecular consequence: missense variant. On other transcripts: non-coding transcript variant (2).
Genome position (GRCh38, 1-based): chr17:58,007,133, G>A on the plus strand (C>T on the coding strand, the complement: SRSF1 is on the minus strand). VCF-style: chr17-58007133-G-A. GRCh37 (hg19) VCF-style: chr17-56084494-G-A.
Other names: c.5C>T, p.Ser2Leu (NM_001078166.2); short protein forms S2L.
Identifiers: ClinVar variation 4891122 (VCV004891122.1).
Genomic context (GRCh38, chr17:58,007,133, plus strand): 5'-TTACCCACGTAGATGCGGCAATCGTTGTTCCCTGCGGGGCCACGAATCACACCACCTCCC[G>A]ACATGGCGGTGACGAAAAGCGCGGACTCGAGAACAGGCCTTCCCACCAAGCCTAGCGCAC-3'
Protein context (NP_008855.1, residues 1-12): M[Ser2Leu]GGGVIRGPAG

ClinVar aggregate classification (germline): Uncertain significance (1 of 4 stars; one submission).

Submission:

Greenwood Genetic Center Diagnostic Laboratories, Greenwood Genetic Center
Classification: Uncertain significance. Last evaluated: 2026-06-02. Review status: criteria provided, single submitter. Criteria: ACMG Guidelines, 2015. Collection method: clinical testing. Allele origin: germline.
Comment: PM2, PP2, PM6